The following is an entry in ClinVar:

ClinVar aggregate classification (germline): Benign. Review status: criteria provided, single submitter (1 of 4 stars). 2 submissions from 2 submitters: Benign (1). 1 of the submissions does not count toward it. Last evaluated 2024-09-13.

Conditions:
SOX4-related disorder. Also called: SOX4-related condition.

Allele frequency attached by ClinVar (database versions not stated): ExAC 0.00008; gnomAD exomes 0.00021; 1000 Genomes Project 30x 0.00234; gnomAD 0.00242.

Submissions (2):

Blueprint Genetics
Classification: Benign. Last evaluated: 2024-09-13. Review status: criteria provided, single submitter. Criteria: ACMG Guidelines, 2015. Collection method: clinical testing. Allele origin: germline.

PreventionGenetics, part of Exact Sciences
Classification: Likely benign for SOX4-related condition. Last evaluated: 2020-01-16. Review status: no assertion criteria provided. Collection method: clinical testing. Allele origin: germline. Not counted in ClinVar's aggregate classification.
Comment: This variant is classified as likely benign based on ACMG/AMP sequence variant interpretation guidelines (Richards et al. 2015 PMID: 25741868, with internal and published modifications).

NM_003107.3(SOX4):c.499_500insC (p.Gly167fs)

Gene: SOX4 (SRY-box transcription factor 4; plus strand). Cytogenetic location: 6p22.3.
Variant type: Insertion.
Coding change: c.499_500insC on transcript NM_003107.3 (MANE Select); coding-DNA positions 499 to 500, C inserted.
Protein change: p.Gly167fs; shifts the reading frame from glycine 167.
Molecular consequence: frameshift variant.
Genome position: GRCh38 VCF-style: chr6-21595033-G-GC. GRCh37 (hg19) VCF-style: chr6-21595264-G-GC.
Other names: short protein forms G167fs.
Identifiers: ClinVar variation 3044064 (VCV003044064.3), dbSNP rs753118440, ClinGen allele CA3653604.
Genomic context (GRCh38, chr6:21,595,033, plus strand): 5'-GCCTCCTCCAAGCCGGGGGAGAAGGGAGACAAGGTCGGTGGCAGTGGCGGGGGCGGCCAT[G>GC]GGGGCGGCGGCGGCGGCGGGAGCAGCAACGCGGGGGGAGGAGGCGGCGGTGCGAGTGGCG-3'